The following is an entry in ClinVar:

NM_000435.3(NOTCH3):c.1923C>T (p.Tyr641=)

Gene: NOTCH3 (notch receptor 3; minus strand). Cytogenetic location: 19p13.12.
Variant type: single nucleotide variant.
Coding change: c.1923C>T on transcript NM_000435.3 (MANE Select); coding-DNA position 1923, C replaced by T.
Protein change: p.Tyr641=; no amino-acid change (tyrosine 641 retained).
Molecular consequence: synonymous variant.
Genome position (GRCh38, 1-based): chr19:15,186,906, G>A on the plus strand (C>T on the coding strand, the complement: NOTCH3 is on the minus strand). VCF-style: chr19-15186906-G-A. GRCh37 (hg19) VCF-style: chr19-15297717-G-A.
Other names: p.Tyr641=.
Identifiers: ClinVar variation 4684325 (VCV004684325.1).

ClinVar aggregate classification (germline): Likely benign (1 of 4 stars; one submission).

gnomAD v4.1: 22 of 1,614,208 alleles (0.0014%); highest among the groups gnomAD compares: East Asian, 0.0045%; no homozygotes.

Submission:

Mayo Clinic Laboratories, Mayo Clinic
Classification: Likely benign. Last evaluated: 2025-07-02. Review status: criteria provided, single submitter. Criteria: ACMG Guidelines, 2015. Collection method: clinical testing. Allele origin: germline. Observed: 1 variant allele.
Comment: BP4, BP7